The following is an entry in ClinVar:

NM_018117.12(WDR11):c.670G>T (p.Ala224Ser)

Gene: WDR11 (WD repeat domain 11; plus strand). Cytogenetic location: 10q26.12.
Variant type: single nucleotide variant.
Coding change: c.670G>T on transcript NM_018117.12 (MANE Select); coding-DNA position 670, G replaced by T.
Protein change: p.Ala224Ser; replaces alanine 224 with serine.
Molecular consequence: missense variant.
Genome position (GRCh38, 1-based): chr10:120,862,878, G>T. VCF-style: chr10-120862878-G-T. GRCh37 (hg19) VCF-style: chr10-122622390-G-T.
Other names: short protein forms A224S.
Identifiers: ClinVar variation 3684285 (VCV003684285.2).

ClinVar aggregate classification (germline): Uncertain significance (1 of 4 stars; one submission).

gnomAD v4.1: 5 of 1,613,970 alleles (0.00031%); highest among the groups gnomAD compares: Non-Finnish European, 0.00034%; no homozygotes.

Submission:

Labcorp Genetics (formerly Invitae), Labcorp
Classification: Uncertain significance. Last evaluated: 2024-05-06. Review status: criteria provided, single submitter. Criteria: Invitae Variant Classification Sherloc (09022015). Collection method: clinical testing. Allele origin: germline.
Comment: This sequence change replaces alanine, which is neutral and non-polar, with serine, which is neutral and polar, at codon 224 of the WDR11 protein (p.Ala224Ser). This variant is present in population databases (rs778534200, gnomAD 0.0009%). This variant has not been reported in the literature in individuals affected with WDR11-related conditions. An algorithm developed to predict the effect of missense changes on protein structure and function (PolyPhen-2) suggests that this variant is likely to be tolerated. In summary, the available evidence is currently insufficient to determine the role of this variant in disease. Therefore, it has been classified as a Variant of Uncertain Significance.